The following is an entry in ClinVar:

NM_001105206.3(LAMA4):c.4671A>G (p.Ile1557Met)

Gene: LAMA4 (laminin subunit alpha 4; minus strand). Cytogenetic location: 6q21.
Variant type: single nucleotide variant.
Coding change: c.4671A>G on transcript NM_001105206.3 (MANE Select); coding-DNA position 4671, A replaced by G.
Protein change: p.Ile1557Met; replaces isoleucine 1557 with methionine.
Molecular consequence: missense variant.
Genome position (GRCh38, 1-based): chr6:112,119,306, T>C on the plus strand (A>G on the coding strand, the complement: LAMA4 is on the minus strand). VCF-style: chr6-112119306-T-C. GRCh37 (hg19) VCF-style: chr6-112440509-T-C.
Other names: c.4650A>G, p.Ile1550Met (NM_001105207.3, NM_002290.5); c.4650A>G (NM_002290.3); short protein forms I1557M, I1550M.
Identifiers: ClinVar variation 1436935 (VCV001436935.7), dbSNP rs2114583933, ClinGen allele CA365368839.

ClinVar aggregate classification (germline): Uncertain significance. Review status: criteria provided, multiple submitters, no conflicts (2 of 4 stars). 2 submissions from 2 submitters: Uncertain significance (2). Last evaluated 2024-12-07.

Conditions:
Cardiovascular phenotype. Identifiers: MedGen CN230736.
Dilated cardiomyopathy 1JJ (CMD1JJ). Identifiers: Orphanet 154, MedGen C3808935, MONDO:0014095, OMIM 615235.

Submissions (2):

Ambry Genetics
Classification: Uncertain significance for Cardiovascular phenotype. Last evaluated: 2024-12-07. Review status: criteria provided, single submitter. Criteria: Ambry Variant Classification Scheme 2023. Collection method: clinical testing. Allele origin: germline.
Comment: The p.I1550M variant (also known as c.4650A>G), located in coding exon 33 of the LAMA4 gene, results from an A to G substitution at nucleotide position 4650. The isoleucine at codon 1550 is replaced by methionine, an amino acid with highly similar properties. This amino acid position is conserved. In addition, this alteration is predicted to be tolerated by in silico analysis. Based on the available evidence, the clinical significance of this variant remains unclear.

Labcorp Genetics (formerly Invitae), Labcorp
Classification: Uncertain significance for Dilated cardiomyopathy 1JJ. Last evaluated: 2021-10-29. Review status: criteria provided, single submitter. Criteria: Invitae Variant Classification Sherloc (09022015). Collection method: clinical testing. Allele origin: germline.
Comment: Algorithms developed to predict the effect of missense changes on protein structure and function are either unavailable or do not agree on the potential impact of this missense change (SIFT: "Deleterious"; PolyPhen-2: "Possibly Damaging"; Align-GVGD: "Class C0"). In summary, the available evidence is currently insufficient to determine the role of this variant in disease. Therefore, it has been classified as a Variant of Uncertain Significance. This variant has not been reported in the literature in individuals affected with LAMA4-related conditions. This variant is not present in population databases (gnomAD no frequency). This sequence change replaces isoleucine, which is neutral and non-polar, with methionine, which is neutral and non-polar, at codon 1550 of the LAMA4 protein (p.Ile1550Met).